The following is an entry in ClinVar:

ClinVar aggregate classification (germline): Uncertain significance (1 of 4 stars; one submission).

Conditions:
Inborn genetic diseases. Identifiers: MedGen C0950123, MeSH D030342.

gnomAD v4.1: 5 of 1,614,058 alleles (0.00031%); highest among the groups gnomAD compares: Non-Finnish European, 0.00042%; no homozygotes.

Submission:

Ambry Genetics
Classification: Uncertain significance for Inborn genetic diseases. Last evaluated: 2025-12-04. Review status: criteria provided, single submitter. Criteria: Ambry Variant Classification Scheme 2023. Collection method: clinical testing. Allele origin: germline.
Comment: The c.1133T>C (p.M378T) alteration is located in exon 8 (coding exon 8) of the RORA gene. This alteration results from a T to C substitution at nucleotide position 1133, causing the methionine (M) at amino acid position 378 to be replaced by a threonine (T). Based on data from gnomAD, the C allele has an overall frequency of 0.001% (2/251360) total alleles studied. The highest observed frequency was 0.002% (2/113680) of European (non-Finnish) alleles. Based on insufficient or conflicting evidence, the clinical significance of this alteration remains unclear.

NM_134261.3(RORA):c.1034T>C (p.Met345Thr)

Genes: RORA (RAR related orphan receptor A; minus strand), RORA-AS1 (RORA antisense RNA 1; plus strand). Cytogenetic location: 15q22.2.
Variant type: single nucleotide variant.
Coding change: c.1034T>C on transcript NM_134261.3 (MANE Select); coding-DNA position 1034, T replaced by C.
Protein change: p.Met345Thr; replaces methionine 345 with threonine.
Molecular consequence: missense variant.
Genome position (GRCh38, 1-based): chr15:60,503,576, A>G on the plus strand (T>C on the coding strand, the complement: RORA is on the minus strand). VCF-style: chr15-60503576-A-G. GRCh37 (hg19) VCF-style: chr15-60795775-A-G.
Other names: c.1109T>C, p.Met370Thr (NM_002943.4); c.1133T>C, p.Met378Thr (NM_134260.3); c.869T>C, p.Met290Thr (NM_134262.3); short protein forms M290T, M345T, M370T, M378T.
Identifiers: ClinVar variation 4629318 (VCV004629318.1).